The following is an entry in ClinVar:

NM_000489.6(ATRX):c.110G>T (p.Arg37Leu)

Gene: ATRX (ATRX chromatin remodeler; minus strand). Cytogenetic location: Xq21.1.
Variant type: single nucleotide variant.
Coding change: c.110G>T on transcript NM_000489.6 (MANE Select); coding-DNA position 110, G replaced by T.
Protein change: p.Arg37Leu; replaces arginine 37 with leucine.
Molecular consequence: missense variant.
Genome position (GRCh38, 1-based): chrX:77,717,154, C>A on the plus strand (G>T on the coding strand, the complement: ATRX is on the minus strand). VCF-style: chrX-77717154-C-A. GRCh37 (hg19) VCF-style: chrX-76972631-C-A.
Other names: c.110G>T, p.Arg37Leu (NM_138270.5); short protein forms R37L.
Identifiers: ClinVar variation 2705271 (VCV002705271.3), dbSNP rs2148752220, ClinGen allele CA413724577.

ClinVar aggregate classification (germline): Uncertain significance (1 of 4 stars; one submission).

Conditions:
Alpha thalassemia-X-linked intellectual disability syndrome (ATRX). Also called: ALPHA-THALASSEMIA/MENTAL RETARDATION SYNDROME, X-LINKED; ATR, NONDELETION TYPE; ATR-X syndrome; Alpha thalassemia mental retardation syndrome, nondeletion type, X-linked; XLMR hypotonic face syndrome; X-linked alpha-thalassemia-mental retardation syndrome. Identifiers: Orphanet 847, MedGen C1845055, MONDO:0010519, OMIM 301040.

Submission:

Labcorp Genetics (formerly Invitae), Labcorp
Classification: Uncertain significance for Alpha thalassemia-X-linked intellectual disability syndrome. Last evaluated: 2023-12-24. Review status: criteria provided, single submitter. Criteria: Invitae Variant Classification Sherloc (09022015). Collection method: clinical testing. Allele origin: germline.
Comment: This sequence change replaces arginine, which is basic and polar, with leucine, which is neutral and non-polar, at codon 37 of the ATRX protein (p.Arg37Leu). This variant is not present in population databases (gnomAD no frequency). This variant has not been reported in the literature in individuals affected with ATRX-related conditions. Advanced modeling of protein sequence and biophysical properties (such as structural, functional, and spatial information, amino acid conservation, physicochemical variation, residue mobility, and thermodynamic stability) performed at Invitae indicates that this missense variant is not expected to disrupt ATRX protein function with a negative predictive value of 95%. In summary, the available evidence is currently insufficient to determine the role of this variant in disease. Therefore, it has been classified as a Variant of Uncertain Significance.